The following is an entry in ClinVar:

ClinVar aggregate classification (germline): Pathogenic/Likely pathogenic. Review status: criteria provided, multiple submitters, no conflicts (2 of 4 stars). 4 submissions from 4 submitters: Pathogenic (1); Likely pathogenic (3). Last evaluated 2026-03-13.

Conditions:
Hypophosphatasia. Also called: Phosphoethanol-aminuria. Identifiers: Orphanet 436, MedGen C0020630, MeSH D007014, MONDO:0018570.
Adult hypophosphatasia. Identifiers: Orphanet 247676, Orphanet 436, MedGen C0268413, MONDO:1010154, OMIM 146300, MONDO:0007798.

Submissions (4):

Dasa
Classification: Likely pathogenic. Last evaluated: 2026-03-13. Review status: criteria provided, single submitter. Criteria: DASA Assertion Criteria. Collection method: clinical testing. Allele origin: germline.
Comment: NM_000478.6(ALPL):c.413G>C (p.Arg138Pro) is a missense variant that results in the substitution of arginine with proline. Functional evidence supports a deleterious effect on the gene or gene product (PMID: 30508915; PMID: 32160374). This variant has been recurrently observed in individuals with related phenotype (PMID: 30508915; PMID: 32160374). The variant is present at low frequency in population datasets. Based on the available data, this variant is classified as likely pathogenic.

Labcorp Genetics (formerly Invitae), Labcorp
Classification: Likely pathogenic. Last evaluated: 2025-12-23. Review status: criteria provided, single submitter. Criteria: Invitae Variant Classification Sherloc (09022015). Collection method: clinical testing. Allele origin: germline.
Comment: This sequence change replaces arginine, which is basic and polar, with proline, which is neutral and non-polar, at codon 138 of the ALPL protein (p.Arg138Pro). This variant is not present in population databases (gnomAD no frequency). This missense change has been observed in individual(s) with clinical features of hypophosphatasia (PMID: 30508915, 32160374). In at least one individual the data is consistent with being in trans (on the opposite chromosome) from a pathogenic variant. ClinVar contains an entry for this variant (Variation ID: 2676516). Invitae Evidence Modeling of protein sequence and biophysical properties (such as structural, functional, and spatial information, amino acid conservation, physicochemical variation, residue mobility, and thermodynamic stability) indicates that this missense variant is not expected to disrupt ALPL protein function with a negative predictive value of 95%. Experimental studies have shown that this missense change affects ALPL function (PMID: 32160374). In summary, the currently available evidence indicates that the variant is pathogenic, but additional data are needed to prove that conclusively. Therefore, this variant has been classified as Likely Pathogenic.

Genomenon, Inc
Classification: Pathogenic for Hypophosphatasia. Last evaluated: 2025-08-29. Review status: criteria provided, single submitter. Criteria: Genomenon Sequence Variant Interpretation Standards. Collection method: curation. Allele origin: germline. Affected: yes.
Comment: ALPL c.413G>C is a missense variant that changes the amino acid at residue 138 from Arginine to Proline. This variant has been observed in at least one proband affected with hypophosphatasia (PMID:30508915). It has been observed in trans with a pathogenic variant (PMID:30508915). At least one functional study has demonstrated a substantial alteration in protein function relative to the wild-type (PMID:32160374). It is absent or not present at a significant frequency in gnomAD. In conclusion, we classify ALPL p.Arg138Pro (c.413G>C) as a pathogenic variant.

Baylor Genetics
Classification: Likely pathogenic for Adult hypophosphatasia. Last evaluated: 2023-08-24. Review status: criteria provided, single submitter. Criteria: ACMG Guidelines, 2015. Collection method: clinical testing. Allele origin: unknown.

Literature cited by the submitters: PubMed 30508915 (cited by 3 submitters); PubMed 32160374 (cited by 3 submitters).

NM_000478.6(ALPL):c.413G>C (p.Arg138Pro)

Gene: ALPL (alkaline phosphatase, biomineralization associated; plus strand). Cytogenetic location: 1p36.12.
Variant type: single nucleotide variant.
Coding change: c.413G>C on transcript NM_000478.6 (MANE Select); coding-DNA position 413, G replaced by C.
Protein change: p.Arg138Pro; replaces arginine 138 with proline.
Molecular consequence: missense variant.
Genome position (GRCh38, 1-based): chr1:21,563,225, G>C. VCF-style: chr1-21563225-G-C. GRCh37 (hg19) VCF-style: chr1-21889718-G-C.
Other names: c.248G>C, p.Arg83Pro (NM_001127501.4); c.182G>C, p.Arg61Pro (NM_001177520.3); c.413G>C, p.Arg138Pro (NM_001369803.2, NM_001369804.2, NM_001369805.2); short protein forms R138P, R61P, R83P.
Identifiers: ClinVar variation 2676516 (VCV002676516.4), dbSNP rs140167865, ClinGen allele CA338877280.